The following is an entry in ClinVar:

NM_000096.4(CP):c.656T>A (p.Val219Glu)

Gene: CP (ceruloplasmin; minus strand). Cytogenetic location: 3q25.1.
Variant type: single nucleotide variant.
Coding change: c.656T>A on transcript NM_000096.4 (MANE Select); coding-DNA position 656, T replaced by A.
Protein change: p.Val219Glu; replaces valine 219 with glutamic acid.
Molecular consequence: missense variant. On other transcripts: non-coding transcript variant (1).
Genome position (GRCh38, 1-based): chr3:149,209,336, A>T on the plus strand (T>A on the coding strand, the complement: CP is on the minus strand). VCF-style: chr3-149209336-A-T. GRCh37 (hg19) VCF-style: chr3-148927123-A-T.
Other names: short protein forms V219E.
Identifiers: ClinVar variation 128844 (VCV000128844.9), dbSNP rs587780321, ClinGen allele CA231060.

ClinVar aggregate classification (germline): Likely pathogenic. Review status: criteria provided, multiple submitters, no conflicts (2 of 4 stars). 4 submissions from 4 submitters: Likely pathogenic (3). 1 of the submissions does not count toward it. Last evaluated 2026-01-11.

Conditions:
Neurodegeneration with brain iron accumulation (NBIA). Identifiers: Orphanet 385, MedGen C2931845, MONDO:0018307.
Deficiency of ferroxidase (ACEP). Also called: NEURODEGENERATION WITH BRAIN IRON ACCUMULATION 10; Ceruloplasmin deficiency; Familial apoceruloplasmin deficiency; Hereditary ceruloplasmin deficiency; Deficiency of ceruloplasmin; Aceruloplasminemia. Identifiers: Orphanet 48818, MedGen C0878682, MONDO:0011426, OMIM 604290, HP:0025498.

Allele frequency attached by ClinVar (database versions not stated): gnomAD 0.00001; TOPMed 0.00001; ExAC 0.00002; gnomAD exomes 0.00002.

Submissions (4):

Labcorp Genetics (formerly Invitae), Labcorp
Classification: Likely pathogenic for Deficiency of ferroxidase. Last evaluated: 2026-01-11. Review status: criteria provided, single submitter. Criteria: Invitae Variant Classification Sherloc (09022015). Collection method: clinical testing. Allele origin: germline.
Comment: This sequence change replaces valine, which is neutral and non-polar, with glutamic acid, which is acidic and polar, at codon 219 of the CP protein (p.Val219Glu). This variant is present in population databases (rs587780321, gnomAD 0.003%). This missense change has been observed in individual(s) with aceruloplasminemia (PMID: 35585918). It has also been observed to segregate with disease in related individuals. ClinVar contains an entry for this variant (Variation ID: 128844). Invitae Evidence Modeling of protein sequence and biophysical properties (such as structural, functional, and spatial information, amino acid conservation, physicochemical variation, residue mobility, and thermodynamic stability) indicates that this missense variant is not expected to disrupt CP protein function with a negative predictive value of 80%. In summary, the currently available evidence indicates that the variant is pathogenic, but additional data are needed to prove that conclusively. Therefore, this variant has been classified as Likely Pathogenic.

Fulgent Genetics
Classification: Likely pathogenic for Deficiency of ferroxidase. Last evaluated: 2024-04-24. Review status: criteria provided, single submitter. Criteria: ACMG Guidelines, 2015. Collection method: clinical testing. Allele origin: germline.

Women's Health and Genetics/Laboratory Corporation of America, LabCorp
Classification: Likely pathogenic for Neurodegeneration with brain iron accumulation. Last evaluated: 2024-04-22. Review status: criteria provided, single submitter. Criteria: LabCorp Variant Classification Summary - May 2015. Collection method: clinical testing. Allele origin: germline.
Comment: Variant summary: CP c.656T>A (p.Val219Glu) results in a non-conservative amino acid change located in the Multicopper oxidase, second cupredoxin domain (IPR001117) of the encoded protein sequence. Five of five in-silico tools predict a damaging effect of the variant on protein function. The variant allele was found at a frequency of 1.6e-05 in 251114 control chromosomes. c.656T>A has been reported in the literature in multiple individuals affected with Neurodegeneration With Brain Iron Accumulation (Lobbes_2022). These data indicate that the variant is likely to be associated with disease. To our knowledge, no experimental evidence demonstrating an impact on protein function has been reported. The following publication have been ascertained in the context of this evaluation (PMID: 35585918). ClinVar contains an entry for this variant (Variation ID: 128844). Based on the evidence outlined above, the variant was classified as likely pathogenic.

Genetic Services Laboratory, University of Chicago
Classification: Uncertain significance. Last evaluated: 2014-01-30. Review status: flagged submission. Criteria: ACMG Guidelines, 2007. Collection method: clinical testing. Allele origin: germline. Inheritance: Autosomal recessive inheritance. Not counted in ClinVar's aggregate classification.
ClinVar note: Reason: Older claim that does not account for recent evidence

Literature cited by the submitters: PubMed 35585918 (cited by Labcorp Genetics (formerly Invitae), Labcorp and Women's Health and Genetics/Laboratory Corporation of America, LabCorp).